The following is an entry in ClinVar:

NM_001371194.2(SEMA4D):c.2400C>T (p.Ser800=)

Gene: SEMA4D (semaphorin 4D; minus strand). Cytogenetic location: 9q22.2.
Variant type: single nucleotide variant.
Coding change: c.2400C>T on transcript NM_001371194.2 (MANE Select); coding-DNA position 2400, C replaced by T.
Protein change: p.Ser800=; no amino-acid change (serine 800 retained).
Molecular consequence: synonymous variant. On other transcripts: intron variant (6).
Genome position (GRCh38, 1-based): chr9:89,378,893, G>A on the plus strand (C>T on the coding strand, the complement: SEMA4D is on the minus strand). VCF-style: chr9-89378893-G-A. GRCh37 (hg19) VCF-style: chr9-91993808-G-A.
Other names: c.2400C>T, p.Ser800= (NM_001371195.1, NM_001371196.1, NM_001371197.1 and 1 more transcripts); c.1664-1842C>T (NM_001371198.1, NM_001371201.1, NM_001371202.1 and 3 more transcripts).
Identifiers: ClinVar variation 3042521 (VCV003042521.2), dbSNP rs754827390, ClinGen allele CA5118100.

ClinVar aggregate classification (germline): Likely benign (0 of 4 stars; one submission).

Conditions:
SEMA4D-related disorder. Also called: SEMA4D-related condition.

Allele frequency attached by ClinVar (database versions not stated): gnomAD exomes 0.00011; ExAC 0.00014; TOPMed 0.00015; gnomAD 0.00027.
gnomAD v4.1: 193 of 1,614,074 alleles (0.012%); highest among the groups gnomAD compares: Non-Finnish European, 0.014%; no homozygotes.

Submission:

PreventionGenetics, part of Exact Sciences
Classification: Likely benign for SEMA4D-related condition. Last evaluated: 2019-06-27. Review status: no assertion criteria provided. Collection method: clinical testing. Allele origin: germline.
Comment: This variant is classified as likely benign based on ACMG/AMP sequence variant interpretation guidelines (Richards et al. 2015 PMID: 25741868, with internal and published modifications).